The following is an entry in ClinVar:

ClinVar aggregate classification (germline): Likely benign (1 of 4 stars; one submission).

Conditions:
Malignant hyperthermia, susceptibility to, 5 (MHS5). Also called: CACNA1S-Related Malignant Hyperthermia Susceptibility. Identifiers: Orphanet 423, MedGen C1866077, MONDO:0011163, OMIM 601887.

gnomAD v4.1: 2 of 1,613,320 alleles (0.00012%); highest among the groups gnomAD compares: Non-Finnish European, 0.00017%; no homozygotes.

Submission:

All of Us Research Program, National Institutes of Health
Classification: Likely benign for Malignant hyperthermia, susceptibility to, 5. Last evaluated: 2024-07-20. Review status: criteria provided, single submitter. Criteria: ACMG Guidelines, 2015. Collection method: clinical testing. Allele origin: germline. Inheritance: Autosomal dominant inheritance. Observed: 1 variant allele, 1 heterozygote.
Comment: This study involves interpretation of variants in research participants for the purpose of population health screening. Participant phenotype was not available at the time of variant classification. Additional details can be found in publication PMID: 35346344, PMCID: PMC8962531

NM_000069.3(CACNA1S):c.4794C>T (p.Phe1598=)

Gene: CACNA1S (calcium voltage-gated channel subunit alpha1 S; minus strand). Cytogenetic location: 1q32.1.
Variant type: single nucleotide variant.
Coding change: c.4794C>T on transcript NM_000069.3 (MANE Select); coding-DNA position 4794, C replaced by T.
Protein change: p.Phe1598=; no amino-acid change (phenylalanine 1598 retained).
Molecular consequence: synonymous variant.
Genome position (GRCh38, 1-based): chr1:201,044,331, G>A on the plus strand (C>T on the coding strand, the complement: CACNA1S is on the minus strand). VCF-style: chr1-201044331-G-A. GRCh37 (hg19) VCF-style: chr1-201013459-G-A.
Identifiers: ClinVar variation 3386290 (VCV003386290.1).